The following is an entry in ClinVar:

NM_001164508.2(NEB):c.18538C>T (p.Pro6180Ser)

Gene: NEB (nebulin; minus strand). Cytogenetic location: 2q23.3.
Variant type: single nucleotide variant.
Coding change: c.18538C>T on transcript NM_001164508.2 (MANE Select); coding-DNA position 18538, C replaced by T.
Protein change: p.Pro6180Ser; replaces proline 6180 with serine.
Molecular consequence: missense variant.
Genome position (GRCh38, 1-based): chr2:151,563,864, G>A on the plus strand (C>T on the coding strand, the complement: NEB is on the minus strand). VCF-style: chr2-151563864-G-A. GRCh37 (hg19) VCF-style: chr2-152420378-G-A.
Other names: c.18538C>T, p.Pro6180Ser (NM_001164507.2, NM_001271208.2); c.13435C>T, p.Pro4479Ser (NM_004543.5); short protein forms P4479S, P6180S.
Identifiers: ClinVar variation 1959688 (VCV001959688.2), dbSNP rs2552191444, ClinGen allele CA348800255.
Genomic context (GRCh38, chr2:151,563,864, plus strand): 5'-AGGAAAAGGTCATACTGACCTCACTGTTCACCAGATCAGCATGCTTGGCTCCAACAATGG[G>A]AATGTAGCGCTCATCCAGGGTGTAGCCATAGGCCTTGGTGCCCTCCCACGCCCCTTTATA-3'
Protein context (NP_001157980.2, residues 6170-6190): YGYTLDERYI[Pro6180Ser]IVGAKHADLV

ClinVar aggregate classification (germline): Uncertain significance (1 of 4 stars; one submission).

Conditions:
Nemaline myopathy 2 (NEM2). Also called: Nemaline myopathy 2, autosomal recessive. Identifiers: MedGen C1850569, MONDO:0009725, OMIM 256030.

Allele frequency attached by ClinVar (database versions not stated): gnomAD exomes below 0.00001.
gnomAD v4.1: 1 of 1,613,160 alleles (0.000062%); highest among the groups gnomAD compares: South Asian, 0.0011%; no homozygotes.

Submission:

Labcorp Genetics (formerly Invitae), Labcorp
Classification: Uncertain significance for Nemaline myopathy 2. Last evaluated: 2021-07-13. Review status: criteria provided, single submitter. Criteria: Invitae Variant Classification Sherloc (09022015). Collection method: clinical testing. Allele origin: germline.
Comment: This sequence change replaces proline with serine at codon 6180 of the NEB protein (p.Pro6180Ser). The proline residue is moderately conserved and there is a moderate physicochemical difference between proline and serine. This variant is not present in population databases (ExAC no frequency). This variant has not been reported in the literature in individuals affected with NEB-related conditions. Algorithms developed to predict the effect of missense changes on protein structure and function are either unavailable or do not agree on the potential impact of this missense change (SIFT: "Deleterious"; PolyPhen-2: "Not Available"; Align-GVGD: "Class C0"). In summary, the available evidence is currently insufficient to determine the role of this variant in disease. Therefore, it has been classified as a Variant of Uncertain Significance.